The following is an entry in ClinVar:

NM_000348.4(SRD5A2):c.594C>T (p.Ile198=)

Gene: SRD5A2 (steroid 5 alpha-reductase 2; minus strand). Cytogenetic location: 2p23.1.
Variant type: single nucleotide variant.
Coding change: c.594C>T on transcript NM_000348.4 (MANE Select); coding-DNA position 594, C replaced by T.
Protein change: p.Ile198=; no amino-acid change (isoleucine 198 retained).
Molecular consequence: synonymous variant.
Genome position (GRCh38, 1-based): chr2:31,529,411, G>A on the plus strand (C>T on the coding strand, the complement: SRD5A2 is on the minus strand). VCF-style: chr2-31529411-G-A. GRCh37 (hg19) VCF-style: chr2-31754481-G-A.
Identifiers: ClinVar variation 459639 (VCV000459639.50), dbSNP rs28383064, ClinGen allele CA1599883.

ClinVar aggregate classification (germline): Benign/Likely benign. Review status: criteria provided, multiple submitters, no conflicts (2 of 4 stars). 6 submissions from 6 submitters: Benign (2); Likely benign (4). Last evaluated 2026-02-01.

Conditions:
3-Oxo-5 alpha-steroid delta 4-dehydrogenase deficiency (PPSH). Also called: MALE PSEUDOHERMAPHRODITISM DUE TO 5-ALPHA-REDUCTASE DEFICIENCY; FAMILIAL INCOMPLETE MALE PSEUDOHERMAPHRODITISM, TYPE 2; 46,XY disorder of sex development due to 5-alpha-reductase 2 deficiency; PSEUDOVAGINAL PERINEOSCROTAL HYPOSPADIAS. Identifiers: Orphanet 753, MedGen C0268297, MONDO:0009923, OMIM 264600. Disease mechanism: loss of function.

Allele frequency attached by ClinVar (database versions not stated): 1000 Genomes Project 0.00100; 1000 Genomes Project 30x 0.00109; ESP Exome Variant Server 0.00246; gnomAD 0.00259 and 0.00287; gnomAD exomes 0.00283; ExAC 0.00293; TOPMed 0.00306.
gnomAD v4.1: 5,440 of 1,613,936 alleles (0.34%); highest among the groups gnomAD compares: Non-Finnish European, 0.4%; 22 homozygotes.

Submissions (6):

Labcorp Genetics (formerly Invitae), Labcorp
Classification: Benign for 3-Oxo-5 alpha-steroid delta 4-dehydrogenase deficiency. Last evaluated: 2026-02-01. Review status: criteria provided, single submitter. Criteria: Invitae Variant Classification Sherloc (09022015). Collection method: clinical testing. Allele origin: germline.

Blueprint Genetics
Classification: Likely benign. Last evaluated: 2024-11-25. Review status: criteria provided, single submitter. Criteria: ACMG Guidelines, 2015. Collection method: clinical testing. Allele origin: germline.

CeGaT Center for Human Genetics Tuebingen
Classification: Likely benign. Last evaluated: 2022-07-01. Review status: criteria provided, single submitter. Criteria: CeGaT Center For Human Genetics Tuebingen Variant Classification Criteria Version 2. Collection method: clinical testing. Allele origin: germline. Affected: yes. Observed: 2 variant alleles.
Comment: SRD5A2: BP4, BP7

Genetic Services Laboratory, University of Chicago
Classification: Likely benign. Last evaluated: 2017-12-07. Review status: criteria provided, single submitter. Criteria: ACMG Guidelines, 2015. Collection method: clinical testing. Allele origin: germline. Affected: no.

GeneDx
Classification: Benign. Last evaluated: 2015-08-25. Review status: criteria provided, single submitter. Criteria: GeneDx Variant Classification Process June 2021. Collection method: clinical testing. Allele origin: germline. Affected: yes.

Breakthrough Genomics
Classification: Likely benign. Review status: criteria provided, single submitter. Criteria: ACMG Guidelines, 2015. Collection method: not provided. Allele origin: germline. Inheritance: Autosomal recessive inheritance. Affected: yes.